The following is an entry in ClinVar:

ClinVar aggregate classification (germline): Uncertain significance (1 of 4 stars; one submission).

Conditions:
Developmental and epileptic encephalopathy, 36 (DEE36). Also called: Congenital disorder of glycosylation, type Is; ALG13-CDG; Epileptic encephalopathy, early infantile, 36. Identifiers: Orphanet 324422, MedGen C4317295, MONDO:0010472, OMIM 300884.

Allele frequency attached by ClinVar (database versions not stated): gnomAD exomes 0.00001 and 0.00002; ExAC 0.00002.
gnomAD v4.1: 10 of 1,211,179 alleles (0.00083%); highest among the groups gnomAD compares: South Asian, 0.007%; no homozygotes.

Submission:

Labcorp Genetics (formerly Invitae), Labcorp
Classification: Uncertain significance for Developmental and epileptic encephalopathy, 36. Last evaluated: 2024-12-02. Review status: criteria provided, single submitter. Criteria: Invitae Variant Classification Sherloc (09022015). Collection method: clinical testing. Allele origin: germline.
Comment: This sequence change replaces threonine, which is neutral and polar, with alanine, which is neutral and non-polar, at codon 178 of the ALG13 protein (p.Thr178Ala). This variant is present in population databases (rs754377859, gnomAD 0.01%). This variant has not been reported in the literature in individuals affected with ALG13-related conditions. ClinVar contains an entry for this variant (Variation ID: 1424451). Invitae Evidence Modeling of protein sequence and biophysical properties (such as structural, functional, and spatial information, amino acid conservation, physicochemical variation, residue mobility, and thermodynamic stability) indicates that this missense variant is not expected to disrupt ALG13 protein function with a negative predictive value of 95%. In summary, the available evidence is currently insufficient to determine the role of this variant in disease. Therefore, it has been classified as a Variant of Uncertain Significance.

NM_001099922.3(ALG13):c.532A>G (p.Thr178Ala)

Gene: ALG13 (ALG13 UDP-N-acetylglucosaminyltransferase subunit; plus strand). Cytogenetic location: Xq23.
Variant type: single nucleotide variant.
Coding change: c.532A>G on transcript NM_001099922.3 (MANE Select); coding-DNA position 532, A replaced by G.
Protein change: p.Thr178Ala; replaces threonine 178 with alanine.
Molecular consequence: missense variant. On other transcripts: non-coding transcript variant (1).
Genome position (GRCh38, 1-based): chrX:111,708,175, A>G. VCF-style: chrX-111708175-A-G. GRCh37 (hg19) VCF-style: chrX-110951403-A-G.
Other names: c.220A>G, p.Thr74Ala (NM_001257230.2, NM_001257234.2, NM_001257237.2 and 1 more transcripts); c.298A>G, p.Thr100Ala (NM_001257231.2); c.532A>G, p.Thr178Ala (NM_001324292.2); short protein forms T100A, T178A, T74A.
Identifiers: ClinVar variation 1424451 (VCV001424451.8), dbSNP rs754377859, ClinGen allele CA10493549.